The following is an entry in ClinVar:

NM_198525.3(KIF7):c.195_196delinsCA (p.Gly66Arg)

Gene: KIF7 (kinesin family member 7; minus strand). Cytogenetic location: 15q26.1.
Variant type: Indel.
Coding change: c.195_196delinsCA on transcript NM_198525.3 (MANE Select); coding-DNA positions 195 to 196, GG replaced by CA.
Protein change: p.Gly66Arg; replaces glycine 66 with arginine.
Molecular consequence: missense variant.
Genome position (GRCh38, 1-based): chr15:89,652,735-89,652,736, CC replaced by TG on the plus strand (GG replaced by CA on the coding strand, the reverse complement: KIF7 is on the minus strand). VCF-style: chr15-89652735-CC-TG. GRCh37 (hg19) VCF-style: chr15-90195966-CC-TG.
Other names: short protein forms G66R.
Identifiers: ClinVar variation 1354534 (VCV001354534.5), dbSNP rs2142036455, ClinGen allele CA2573151282.

ClinVar aggregate classification (germline): Uncertain significance (1 of 4 stars; one submission).

Conditions:
Acrocallosal syndrome (ACLS). Also called: HALLUX DUPLICATION, POSTAXIAL POLYDACTYLY, AND ABSENCE OF CORPUS CALLOSUM; Schinzel syndrome 1; Absence of corpus callosum with unusual facial appearance, mental deficiency, duplication of the halluces and polydactyly. Identifiers: Orphanet 36, MedGen C0796147, MONDO:0008708, OMIM 200990.

Submission:

Labcorp Genetics (formerly Invitae), Labcorp
Classification: Uncertain significance for Acrocallosal syndrome. Last evaluated: 2022-11-01. Review status: criteria provided, single submitter. Criteria: Invitae Variant Classification Sherloc (09022015). Collection method: clinical testing. Allele origin: germline.
Comment: This sequence change replaces glycine, which is neutral and non-polar, with arginine, which is basic and polar, at codon 66 of the KIF7 protein (p.Gly66Arg). Information on the frequency of this variant in the gnomAD database is not available, as this variant may be reported differently in the database. This variant has not been reported in the literature in individuals affected with KIF7-related conditions. ClinVar contains an entry for this variant (Variation ID: 1354534). Experimental studies and prediction algorithms are not available or were not evaluated, and the functional significance of this variant is currently unknown. In summary, the available evidence is currently insufficient to determine the role of this variant in disease. Therefore, it has been classified as a Variant of Uncertain Significance.